The following is an entry in ClinVar:

ClinVar aggregate classification (germline): Benign/Likely benign. Review status: criteria provided, multiple submitters, no conflicts (2 of 4 stars). 5 submissions from 5 submitters: Benign (1); Likely benign (4). Last evaluated 2025-12-15.

Allele frequency attached by ClinVar (database versions not stated): 1000 Genomes Project 30x 0.00016; 1000 Genomes Project 0.00020; TOPMed 0.00030; ESP Exome Variant Server 0.00031; gnomAD 0.00031 and 0.00032; gnomAD exomes 0.00033; ExAC 0.00034.
gnomAD v4.1: 497 of 1,611,852 alleles (0.031%); highest among the groups gnomAD compares: Admixed American, 0.067%; no homozygotes.

Submissions (5):

Labcorp Genetics (formerly Invitae), Labcorp
Classification: Benign. Last evaluated: 2025-12-15. Review status: criteria provided, single submitter. Criteria: Invitae Variant Classification Sherloc (09022015). Collection method: clinical testing. Allele origin: germline.

Mayo Clinic Laboratories, Mayo Clinic
Classification: Likely benign. Last evaluated: 2025-08-07. Review status: criteria provided, single submitter. Criteria: ACMG Guidelines, 2015. Collection method: clinical testing. Allele origin: germline. Observed: 2 variant alleles.
Comment: BS2, BP4_moderate

Blueprint Genetics
Classification: Likely benign. Last evaluated: 2024-11-06. Review status: criteria provided, single submitter. Criteria: ACMG Guidelines, 2015. Collection method: clinical testing. Allele origin: germline.

GeneDx
Classification: Likely benign. Last evaluated: 2016-02-29. Review status: criteria provided, single submitter. Criteria: GeneDx Variant Classification (06012015). Collection method: clinical testing. Allele origin: germline. Affected: yes.
Comment: This variant is considered likely benign or benign based on one or more of the following criteria: it is a conservative change, it occurs at a poorly conserved position in the protein, it is predicted to be benign by multiple in silico algorithms, and/or has population frequency not consistent with disease.

Breakthrough Genomics
Classification: Likely benign. Review status: criteria provided, single submitter. Criteria: ACMG Guidelines, 2015. Collection method: not provided. Allele origin: germline. Inheritance: Autosomal recessive inheritance. Affected: yes.

Literature cited by the submitters: PubMed 17436252 (cited by Mayo Clinic Laboratories, Mayo Clinic).

NM_004750.5(CRLF1):c.266G>A (p.Arg89His)

Gene: CRLF1 (cytokine receptor like factor 1; minus strand). Cytogenetic location: 19p13.11.
Variant type: single nucleotide variant.
Coding change: c.266G>A on transcript NM_004750.5 (MANE Select); coding-DNA position 266, G replaced by A.
Protein change: p.Arg89His; replaces arginine 89 with histidine.
Molecular consequence: missense variant.
Genome position (GRCh38, 1-based): chr19:18,599,696, C>T on the plus strand (G>A on the coding strand, the complement: CRLF1 is on the minus strand). VCF-style: chr19-18599696-C-T. GRCh37 (hg19) VCF-style: chr19-18710506-C-T.
Other names: p.Arg89His; short protein forms R89H.
Identifiers: ClinVar variation 383460 (VCV000383460.9), dbSNP rs143326783, ClinGen allele CA9314294.